The following is an entry in ClinVar:

NM_001130438.3(SPTAN1):c.7019T>C (p.Phe2340Ser)

Gene: SPTAN1 (spectrin alpha, non-erythrocytic 1; plus strand). Cytogenetic location: 9q34.11.
Variant type: single nucleotide variant.
Coding change: c.7019T>C on transcript NM_001130438.3 (MANE Select); coding-DNA position 7019, T replaced by C.
Protein change: p.Phe2340Ser; replaces phenylalanine 2340 with serine.
Molecular consequence: missense variant.
Genome position (GRCh38, 1-based): chr9:128,632,577, T>C. VCF-style: chr9-128632577-T-C. GRCh37 (hg19) VCF-style: chr9-131394856-T-C.
Other names: c.6944T>C, p.Phe2315Ser (NM_001195532.2); c.7082T>C, p.Phe2361Ser (NM_001363759.2); c.6959T>C, p.Phe2320Ser (NM_001363765.2, NM_001375314.2); c.7106T>C, p.Phe2369Ser (NM_001375310.1); c.7019T>C, p.Phe2340Ser (NM_001375311.2); c.7055T>C, p.Phe2352Ser (NM_001375312.2, NM_001438440.1); c.7001T>C, p.Phe2334Ser (NM_001375313.1); c.7118T>C, p.Phe2373Ser (NM_001375318.1); and 6 more; short protein forms F2309S, F2314S, F2315S, F2320S, F2329S, F2334S, F2335S, F2336S.
Identifiers: ClinVar variation 4075582 (VCV004075582.1).

ClinVar aggregate classification (germline): Uncertain significance (1 of 4 stars; one submission).

Submission:

GeneDx
Classification: Uncertain significance. Last evaluated: 2025-02-12. Review status: criteria provided, single submitter. Criteria: GeneDx Variant Classification Process June 2021. Collection method: clinical testing. Allele origin: germline. Affected: yes.
Comment: Not observed at significant frequency in large population cohorts (gnomAD); In silico analysis supports that this missense variant has a deleterious effect on protein structure/function; Has not been previously published as pathogenic or benign to our knowledge